The following is an entry in ClinVar:

ClinVar aggregate classification (germline): Uncertain significance. Review status: criteria provided, multiple submitters, no conflicts (2 of 4 stars). 2 submissions from 2 submitters: Uncertain significance (2). Last evaluated 2024-04-22.

Allele frequency attached by ClinVar (database versions not stated): gnomAD exomes 0.00004; ExAC 0.00015; 1000 Genomes Project 30x 0.00016; 1000 Genomes Project 0.00020; TOPMed 0.00022; gnomAD 0.00027; ESP Exome Variant Server 0.00031.

Submissions (2):

Ambry Genetics
Classification: Uncertain significance. Last evaluated: 2024-04-22. Review status: criteria provided, single submitter. Criteria: Ambry Variant Classification Scheme 2023. Collection method: clinical testing. Allele origin: germline.

Labcorp Genetics (formerly Invitae), Labcorp
Classification: Uncertain significance. Last evaluated: 2022-08-19. Review status: criteria provided, single submitter. Criteria: Invitae Variant Classification Sherloc (09022015). Collection method: clinical testing. Allele origin: germline.
Comment: In summary, the available evidence is currently insufficient to determine the role of this variant in disease. Therefore, it has been classified as a Variant of Uncertain Significance. Algorithms developed to predict the effect of missense changes on protein structure and function output the following: SIFT: "Tolerated"; PolyPhen-2: "Benign"; Align-GVGD: "Class C0". The valine amino acid residue is found in multiple mammalian species, which suggests that this missense change does not adversely affect protein function. This variant has not been reported in the literature in individuals affected with NUP85-related conditions. This variant is present in population databases (rs141670583, gnomAD 0.1%). This sequence change replaces methionine, which is neutral and non-polar, with valine, which is neutral and non-polar, at codon 142 of the NUP85 protein (p.Met142Val).

NM_024844.5(NUP85):c.424A>G (p.Met142Val)

Gene: NUP85 (nucleoporin 85; plus strand). Cytogenetic location: 17q25.1.
Variant type: single nucleotide variant.
Coding change: c.424A>G on transcript NM_024844.5 (MANE Select); coding-DNA position 424, A replaced by G.
Protein change: p.Met142Val; replaces methionine 142 with valine.
Molecular consequence: missense variant.
Genome position (GRCh38, 1-based): chr17:75,215,772, A>G. VCF-style: chr17-75215772-A-G. GRCh37 (hg19) VCF-style: chr17-73211867-A-G.
Other names: c.424A>G, p.Met142Val (NM_001330472.2); c.286A>G, p.Met96Val (NM_001303276.2); short protein forms M142V, M96V.
Identifiers: ClinVar variation 2064608 (VCV002064608.5), dbSNP rs141670583, ClinGen allele CA8758492.
Genomic context (GRCh38, chr17:75,215,772, plus strand): 5'-AGGAATCATTTCAGGTGAAACCTGTCCCCATTTCTTCCTTAGGTCTCCATTTTGTCAGCA[A>G]TGGAGCTCATCTGGAACCTGTGTGAGATTCTTTTTATTGAAGTGGCCCCAGGTAGGCATG-3'
Protein context (NP_079120.1, residues 132-152): FSSQVSILSA[Met142Val]ELIWNLCEIL